The following is an entry in ClinVar:

NM_003632.3(CNTNAP1):c.209C>T (p.Pro70Leu)

Gene: CNTNAP1 (contactin associated protein 1; plus strand). Cytogenetic location: 17q21.2.
Variant type: single nucleotide variant.
Coding change: c.209C>T on transcript NM_003632.3 (MANE Select); coding-DNA position 209, C replaced by T.
Protein change: p.Pro70Leu; replaces proline 70 with leucine.
Molecular consequence: missense variant.
Genome position (GRCh38, 1-based): chr17:42,684,075, C>T. VCF-style: chr17-42684075-C-T. GRCh37 (hg19) VCF-style: chr17-40836093-C-T.
Other names: short protein forms P70L.
Identifiers: ClinVar variation 1700701 (VCV001700701.2), dbSNP rs2143645273, ClinGen allele CA399632387.

ClinVar aggregate classification (germline): Uncertain significance (1 of 4 stars; one submission).

Submission:

Centre of Medical Genetics, University Hospital Muenster
Classification: Uncertain significance. Last evaluated: 2022-07-20. Review status: criteria provided, single submitter. Criteria: ACMG Guidelines, 2015. Collection method: clinical testing. Allele origin: unknown. Affected: yes. Observed: 1 variant allele, 1 homozygote.
Comment: ACMG categories: PM1,PM2,PP3